The following is an entry in ClinVar:

ClinVar aggregate classification (germline): Uncertain significance. Review status: criteria provided, multiple submitters, no conflicts (2 of 4 stars). 2 submissions from 2 submitters: Uncertain significance (2). Last evaluated 2024-08-27.

gnomAD v4.1: 37 of 1,613,960 alleles (0.0023%); highest among the groups gnomAD compares: East Asian, 0.0089%; no homozygotes.

Submissions (2):

Labcorp Genetics (formerly Invitae), Labcorp
Classification: Uncertain significance. Last evaluated: 2024-08-27. Review status: criteria provided, single submitter. Criteria: Invitae Variant Classification Sherloc (09022015). Collection method: clinical testing. Allele origin: germline.
Comment: This sequence change replaces glycine, which is neutral and non-polar, with arginine, which is basic and polar, at codon 1033 of the COL17A1 protein (p.Gly1033Arg). This variant is present in population databases (rs781467374, gnomAD 0.02%). This variant has not been reported in the literature in individuals affected with COL17A1-related conditions. Invitae Evidence Modeling of protein sequence and biophysical properties (such as structural, functional, and spatial information, amino acid conservation, physicochemical variation, residue mobility, and thermodynamic stability) has been performed for this missense variant. However, the output from this modeling did not meet the statistical confidence thresholds required to predict the impact of this variant on COL17A1 protein function. In summary, the available evidence is currently insufficient to determine the role of this variant in disease. Therefore, it has been classified as a Variant of Uncertain Significance.

Women's Health and Genetics/Laboratory Corporation of America, LabCorp
Classification: Uncertain significance. Last evaluated: 2024-05-08. Review status: criteria provided, single submitter. Criteria: LabCorp Variant Classification Summary - May 2015. Collection method: clinical testing. Allele origin: germline.

NM_000494.4(COL17A1):c.3097G>A (p.Gly1033Arg)

Gene: COL17A1 (collagen type XVII alpha 1 chain; minus strand). Cytogenetic location: 10q25.1.
Variant type: single nucleotide variant.
Coding change: c.3097G>A on transcript NM_000494.4 (MANE Select); coding-DNA position 3097, G replaced by A.
Protein change: p.Gly1033Arg; replaces glycine 1033 with arginine.
Molecular consequence: missense variant.
Genome position (GRCh38, 1-based): chr10:104,037,747, C>T on the plus strand (G>A on the coding strand, the complement: COL17A1 is on the minus strand). VCF-style: chr10-104037747-C-T. GRCh37 (hg19) VCF-style: chr10-105797505-C-T.
Other names: short protein forms G1033R.
Identifiers: ClinVar variation 3336094 (VCV003336094.3).